The following is an entry in ClinVar:

ClinVar aggregate classification (germline): Uncertain significance. Review status: criteria provided, multiple submitters, no conflicts (2 of 4 stars). 2 submissions from 2 submitters: Uncertain significance (2). Last evaluated 2026-08-22.

Submissions (2):

GeneDx
Classification: Uncertain significance. Last evaluated: 2026-08-22. Review status: criteria provided, single submitter. Criteria: GeneDx Variant Classification Process June 2021. Collection method: clinical testing. Allele origin: germline.
Comment: Not observed at significant frequency in large population cohorts (gnomAD); Nonsense variant predicted to result in protein truncation as the last 62 amino acid(s) are lost; Has not been previously published as pathogenic or benign to our knowledge

Eurofins Ntd Llc (ga)
Classification: Uncertain significance. Last evaluated: 2017-06-14. Review status: criteria provided, single submitter. Criteria: EGL Classification Definitions 2015. Collection method: clinical testing. Allele origin: germline. Observed: 1 variant allele, 1 heterozygote.

NM_004115.4(FGF14):c.556A>T (p.Arg186Ter)

Gene: FGF14 (fibroblast growth factor 14; minus strand). Cytogenetic location: 13q33.1.
Variant type: single nucleotide variant.
Coding change: c.556A>T on transcript NM_004115.4 (MANE Select); coding-DNA position 556, A replaced by T.
Protein change: p.Arg186Ter; replaces arginine 186 with a stop codon.
Molecular consequence: nonsense.
Genome position (GRCh38, 1-based): chr13:101,726,663, T>A on the plus strand (A>T on the coding strand, the complement: FGF14 is on the minus strand). VCF-style: chr13-101726663-T-A. GRCh37 (hg19) VCF-style: chr13-102379013-T-A.
Other names: c.304A>T, p.Arg102Ter (NM_001321931.1, NM_001321934.1, NM_001321935.1 and 4 more transcripts); c.367A>T, p.Arg123Ter (NM_001321932.1, NM_001321936.1, NM_001321944.1); c.376A>T, p.Arg126Ter (NM_001321933.1, NM_001321938.2, NM_001321940.1); c.460A>T, p.Arg154Ter (NM_001321939.2); c.370A>T, p.Arg124Ter (NM_001321941.2); c.454A>T, p.Arg152Ter (NM_001321945.2, NM_001321948.2, NM_001379342.1); c.415A>T, p.Arg139Ter (NM_001321947.2); c.571A>T, p.Arg191Ter (NM_175929.3); and 1 more; short protein forms R186*, R191*, R139*, R152*, R102*, R123*, R126*, R154*.
Identifiers: ClinVar variation 502389 (VCV000502389.7), dbSNP rs1555370768, ClinGen allele CA388711087.
Genomic context (GRCh38, chr13:101,726,663, plus strand): 5'-AATACTCACCTTCCAATGGCTTGGGTAGAAAATGAGCTGCTGGTTTGGTTTTCTTTACTC[T>A]GTTCCCTTTCATAGCTTGCCCTTCCTTATTTAATCCCAAAAACCAGGCTCTACCAGATTC-3'